The following is an entry in ClinVar:

NM_020738.4(KIDINS220):c.4627A>G (p.Arg1543Gly)

Gene: KIDINS220 (kinase D interacting substrate 220; minus strand). Cytogenetic location: 2p25.1.
Variant type: single nucleotide variant.
Coding change: c.4627A>G on transcript NM_020738.4 (MANE Select); coding-DNA position 4627, A replaced by G.
Protein change: p.Arg1543Gly; replaces arginine 1543 with glycine.
Molecular consequence: missense variant. On other transcripts: intron variant (6).
Genome position (GRCh38, 1-based): chr2:8,731,409, T>C on the plus strand (A>G on the coding strand, the complement: KIDINS220 is on the minus strand). VCF-style: chr2-8731409-T-C. GRCh37 (hg19) VCF-style: chr2-8871539-T-C.
Other names: c.4630A>G, p.Arg1544Gly (NM_001348729.2); c.4573A>G, p.Arg1525Gly (NM_001348731.2); c.4570A>G, p.Arg1524Gly (NM_001348732.2); c.4459A>G, p.Arg1487Gly (NM_001348734.2); c.4456A>G, p.Arg1486Gly (NM_001348735.2); c.4330A>G, p.Arg1444Gly (NM_001348736.2); c.3882+2035A>G (NM_001348741.2, NM_001348742.2, NM_001348743.2); c.3996+2035A>G (NM_001348738.2); and 1 more; short protein forms R1444G, R1487G, R1524G, R1543G, R1486G, R1525G, R1544G.
Identifiers: ClinVar variation 3632064 (VCV003632064.2).

ClinVar aggregate classification (germline): Uncertain significance (1 of 4 stars; one submission).

gnomAD v4.1: 2 of 1,614,108 alleles (0.00012%); highest among the groups gnomAD compares: Non-Finnish European, 0.00017%; no homozygotes.

Submission:

Labcorp Genetics (formerly Invitae), Labcorp
Classification: Uncertain significance. Last evaluated: 2025-02-19. Review status: criteria provided, single submitter. Criteria: Invitae Variant Classification Sherloc (09022015). Collection method: clinical testing. Allele origin: germline.
Comment: This sequence change replaces arginine, which is basic and polar, with glycine, which is neutral and non-polar, at codon 1543 of the KIDINS220 protein (p.Arg1543Gly). This variant is not present in population databases (gnomAD no frequency). This variant has not been reported in the literature in individuals affected with KIDINS220-related conditions. An algorithm developed to predict the effect of missense changes on protein structure and function (PolyPhen-2) suggests that this variant is likely to be tolerated. In summary, the available evidence is currently insufficient to determine the role of this variant in disease. Therefore, it has been classified as a Variant of Uncertain Significance.